The following is an entry in ClinVar:

NM_020778.5(ALPK3):c.1214CAGGCC[3] (p.403PG[4])

Gene: ALPK3 (alpha kinase 3; plus strand). Cytogenetic location: 15q25.3.
Variant type: Microsatellite.
Coding change: c.1214CAGGCC[3] on transcript NM_020778.5 (MANE Select); three copies in a row of the 6-base unit CAGGCC starting at c.1214; the reference has two copies in a row; one copy, 6 bases duplicated.
Protein change: p.403PG[4].
Molecular consequence: inframe insertion.
Genome position (GRCh38, 1-based): chr15:84,840,499-84,840,504, CAGGCC duplicated; duplicating any 6 consecutive bases within chr15:84,840,489-84,840,504 gives the same sequence; the position shown is the placement nearest the transcript's 3' end. VCF-style (leftmost placement, unchanged base first): chr15-84840488-T-TGGCCCA. GRCh37 (hg19) VCF-style: chr15-85383719-T-TGGCCCA.
Identifiers: ClinVar variation 450143 (VCV000450143.6), dbSNP rs755561788, ClinGen allele CA7709142.

ClinVar aggregate classification (germline): Uncertain significance. Review status: criteria provided, multiple submitters, no conflicts (2 of 4 stars). 2 submissions from 2 submitters: Uncertain significance (2). Last evaluated 2026-01-25.

Submissions (2):

Labcorp Genetics (formerly Invitae), Labcorp
Classification: Uncertain significance. Last evaluated: 2026-01-25. Review status: criteria provided, single submitter. Criteria: Invitae Variant Classification Sherloc (09022015). Collection method: clinical testing. Allele origin: germline.
Comment: This variant, c.1826_1831dup, results in the insertion of 2 amino acid(s) of the ALPK3 protein (p.Pro609_Gly610dup), but otherwise preserves the integrity of the reading frame. This variant is present in population databases (rs755561788, gnomAD 0.02%). This variant has not been reported in the literature in individuals affected with ALPK3-related conditions. Experimental studies and prediction algorithms are not available or were not evaluated, and the functional significance of this variant is currently unknown. In summary, the available evidence is currently insufficient to determine the role of this variant in disease. Therefore, it has been classified as a Variant of Uncertain Significance.

GeneDx
Classification: Uncertain significance. Last evaluated: 2017-06-30. Review status: criteria provided, single submitter. Criteria: GeneDx Variant Classification (06012015). Collection method: clinical testing. Allele origin: germline. Affected: yes.
Comment: A variant of uncertain significance has been identified in the ALPK3 gene. The c.1826_1831dupCAGGCC variant has not been published as pathogenic or been reported as benign to our knowledge. This variant is not observed at a significant frequency in large population cohorts (Lek et al., 2016; 1000 Genomes Consortium et al., 2015; Exome Variant Server). The c.1826_1831dupCAGGCC variant results in an in-frame duplication of two amino acids. However, this region is not conserved and in silico analysis predicts the duplication of these residues likely does not alter the protein structure/function.